The following is an entry in ClinVar:

ClinVar aggregate classification (germline): Likely benign (1 of 4 stars; one submission).

gnomAD v4.1: 4 of 1,613,822 alleles (0.00025%); highest among the groups gnomAD compares: Non-Finnish European, 0.00034%; no homozygotes.

Submission:

CeGaT Center for Human Genetics Tuebingen
Classification: Likely benign. Last evaluated: 2025-01-01. Review status: criteria provided, single submitter. Criteria: CeGaT Center For Human Genetics Tuebingen Variant Classification Criteria Version 2. Collection method: clinical testing. Allele origin: germline. Affected: yes. Observed: 1 variant allele.
Comment: CHD4: BP4, BP7

NM_001273.5(CHD4):c.4230T>C (p.Asn1410=)

Genes: CHD4 (chromodomain helicase DNA binding protein 4; minus strand), CHD4-AS1 (CHD4 antisense RNA 1; plus strand). Cytogenetic location: 12p13.31.
Variant type: single nucleotide variant.
Coding change: c.4230T>C on transcript NM_001273.5 (MANE Select); coding-DNA position 4230, T replaced by C.
Protein change: p.Asn1410=; no amino-acid change (asparagine 1410 retained).
Molecular consequence: synonymous variant.
Genome position (GRCh38, 1-based): chr12:6,582,854, A>G on the plus strand (T>C on the coding strand, the complement: CHD4 is on the minus strand). VCF-style: chr12-6582854-A-G. GRCh37 (hg19) VCF-style: chr12-6692020-A-G.
Other names: c.4209T>C, p.Asn1403= (NM_001297553.2); c.4191T>C, p.Asn1397= (NM_001363606.2).
Identifiers: ClinVar variation 3772241 (VCV003772241.13).